The following is an entry in ClinVar:

NM_000143.4(FH):c.128G>C (p.Arg43Pro)

Gene: FH (fumarate hydratase; minus strand). Cytogenetic location: 1q43.
Variant type: single nucleotide variant.
Coding change: c.128G>C on transcript NM_000143.4 (MANE Select); coding-DNA position 128, G replaced by C.
Protein change: p.Arg43Pro; replaces arginine 43 with proline.
Molecular consequence: missense variant.
Genome position (GRCh38, 1-based): chr1:241,519,595, C>G on the plus strand (G>C on the coding strand, the complement: FH is on the minus strand). VCF-style: chr1-241519595-C-G. GRCh37 (hg19) VCF-style: chr1-241682895-C-G.
Other names: short protein forms R43P.
Identifiers: ClinVar variation 2447197 (VCV002447197.3), dbSNP rs2147926825, ClinGen allele CA345442623.

ClinVar aggregate classification (germline): Uncertain significance (1 of 4 stars; one submission).

Conditions:
Hereditary cancer-predisposing syndrome. Also called: Neoplastic Syndromes, Hereditary; Hereditary Cancer Syndrome; Tumor predisposition; Hereditary neoplastic syndrome. Identifiers: Orphanet 140162, MedGen C0027672, MeSH D009386, MONDO:0015356.

Submission:

Ambry Genetics
Classification: Uncertain significance for Hereditary cancer-predisposing syndrome. Last evaluated: 2025-01-22. Review status: criteria provided, single submitter. Criteria: Ambry Variant Classification Scheme 2023. Collection method: clinical testing. Allele origin: germline.
Comment: The p.R43P variant (also known as c.128G>C), located in coding exon 1 of the FH gene, results from a G to C substitution at nucleotide position 128. The arginine at codon 43 is replaced by proline, an amino acid with dissimilar properties. This amino acid position is well conserved in available vertebrate species. In addition, the in silico prediction for this alteration is inconclusive. Based on the available evidence, the clinical significance of this variant remains unclear.